The following is an entry in ClinVar:

ClinVar aggregate classification (germline): Uncertain significance (1 of 4 stars; one submission).

Conditions:
Inborn genetic diseases. Identifiers: MedGen C0950123, MeSH D030342.

Allele frequency attached by ClinVar (database versions not stated): TOPMed below 0.00001; ExAC 0.00001; gnomAD 0.00001; gnomAD exomes 0.00001.
gnomAD v4.1: 12 of 1,610,646 alleles (0.00075%); highest among the groups gnomAD compares: Non-Finnish European, 0.001%; no homozygotes.

Submission:

Ambry Genetics
Classification: Uncertain significance for Inborn genetic diseases. Last evaluated: 2023-03-12. Review status: criteria provided, single submitter. Criteria: Ambry Variant Classification Scheme 2023. Collection method: clinical testing. Allele origin: germline.
Comment: The p.A361V variant (also known as c.1082C>T), located in coding exon 7 of the MIB1 gene, results from a C to T substitution at nucleotide position 1082. The alanine at codon 361 is replaced by valine, an amino acid with similar properties. This amino acid position is conserved. In addition, the in silico prediction for this alteration is inconclusive. Since supporting evidence is limited at this time, the clinical significance of this alteration remains unclear.

NM_020774.4(MIB1):c.1082C>T (p.Ala361Val)

Gene: MIB1 (MIB E3 ubiquitin protein ligase 1; plus strand). Cytogenetic location: 18q11.2.
Variant type: single nucleotide variant.
Coding change: c.1082C>T on transcript NM_020774.4 (MANE Select); coding-DNA position 1082, C replaced by T.
Protein change: p.Ala361Val; replaces alanine 361 with valine.
Molecular consequence: missense variant.
Genome position (GRCh38, 1-based): chr18:21,791,547, C>T. VCF-style: chr18-21791547-C-T. GRCh37 (hg19) VCF-style: chr18-19371508-C-T.
Other names: short protein forms A361V.
Identifiers: ClinVar variation 2448819 (VCV002448819.2), dbSNP rs774528584, ClinGen allele CA8908191.